The following is an entry in ClinVar:

NM_020921.4(NIN):c.139C>G (p.Pro47Ala)

Genes: NIN (ninein; minus strand), LOC105370489 (uncharacterized LOC105370489; plus strand). Cytogenetic location: 14q22.1.
Variant type: single nucleotide variant.
Coding change: c.139C>G on transcript NM_020921.4 (MANE Select); coding-DNA position 139, C replaced by G.
Protein change: p.Pro47Ala; replaces proline 47 with alanine.
Molecular consequence: missense variant. On other transcripts: non-coding transcript variant (1).
Genome position (GRCh38, 1-based): chr14:50,821,918, G>C on the plus strand (C>G on the coding strand, the complement: NIN is on the minus strand). VCF-style: chr14-50821918-G-C. GRCh37 (hg19) VCF-style: chr14-51288636-G-C.
Other names: c.139C>G, p.Pro47Ala (NM_016350.5, NM_182944.3, NM_182946.2); short protein forms P47A.
Identifiers: ClinVar variation 1902144 (VCV001902144.5), dbSNP rs765630088, ClinGen allele CA7182585.

ClinVar aggregate classification (germline): Uncertain significance (1 of 4 stars; one submission).

Allele frequency attached by ClinVar (database versions not stated): gnomAD 0.00001; gnomAD exomes 0.00001; TOPMed 0.00002; ExAC 0.00004.
gnomAD v4.1: 17 of 1,613,972 alleles (0.0011%); highest among the groups gnomAD compares: Admixed American, 0.027%; no homozygotes.

Submission:

Labcorp Genetics (formerly Invitae), Labcorp
Classification: Uncertain significance. Last evaluated: 2021-12-23. Review status: criteria provided, single submitter. Criteria: Invitae Variant Classification Sherloc (09022015). Collection method: clinical testing. Allele origin: germline.
Comment: This sequence change replaces proline, which is neutral and non-polar, with alanine, which is neutral and non-polar, at codon 47 of the NIN protein (p.Pro47Ala). This variant is present in population databases (rs765630088, gnomAD 0.05%). This variant has not been reported in the literature in individuals affected with NIN-related conditions. Algorithms developed to predict the effect of missense changes on protein structure and function are either unavailable or do not agree on the potential impact of this missense change (SIFT: "Deleterious"; PolyPhen-2: "Probably Damaging"; Align-GVGD: "Class C0"). In summary, the available evidence is currently insufficient to determine the role of this variant in disease. Therefore, it has been classified as a Variant of Uncertain Significance.